The following is an entry in ClinVar:

ClinVar aggregate classification (germline): Uncertain significance (1 of 4 stars; one submission).

Conditions:
B9D1-related disorder. Also called: B9D1-related condition; B9D1-related disorders.

gnomAD v4.1: 6 of 1,611,406 alleles (0.00037%); highest among the groups gnomAD compares: Non-Finnish European, 0.00051%; no homozygotes.

Submission:

PreventionGenetics, part of Exact Sciences
Classification: Uncertain significance for B9D1-related condition. Last evaluated: 2025-04-21. Review status: criteria provided, single submitter. Criteria: ACMG Guidelines, 2015. Collection method: clinical testing. Allele origin: germline.
Comment: The B9D1 c.244+3G>C variant is predicted to interfere with splicing. To our knowledge, this variant has not been reported in the literature. This variant is reported in 0.0015% of alleles in individuals of European (Non-Finnish) descent in gnomAD. At this time, the clinical significance of this variant is uncertain due to the absence of conclusive functional and genetic evidence.

NM_015681.6(B9D1):c.244+3G>C

Gene: B9D1 (B9 domain containing 1; minus strand). Cytogenetic location: 17p11.2.
Variant type: single nucleotide variant.
Coding change: c.244+3G>C on transcript NM_015681.6 (MANE Select); 3 bases into the intron after coding-DNA position 244, G replaced by C.
Molecular consequence: intron variant.
Genome position (GRCh38, 1-based): chr17:19,357,837, C>G on the plus strand (G>C on the coding strand, the complement: B9D1 is on the minus strand). VCF-style: chr17-19357837-C-G. GRCh37 (hg19) VCF-style: chr17-19261150-C-G.
Other names: c.-117+3G>C (NM_001368769.2); c.244+3G>C (NM_001321219.2, NM_001321218.2, NM_001321217.2 and 4 more transcripts).
Identifiers: ClinVar variation 4990221 (VCV004990221.1).